The following is an entry in ClinVar:

ClinVar aggregate classification (germline): Uncertain significance. Review status: criteria provided, multiple submitters, no conflicts (2 of 4 stars). 2 submissions from 2 submitters: Uncertain significance (2). Last evaluated 2025-06-23.

Conditions:
Inborn genetic diseases. Identifiers: MedGen C0950123, MeSH D030342.

gnomAD v4.1: 97 of 1,612,404 alleles (0.006%); highest among the groups gnomAD compares: Non-Finnish European, 0.0079%; no homozygotes.

Submissions (2):

GeneDx
Classification: Uncertain significance. Last evaluated: 2025-06-23. Review status: criteria provided, single submitter. Criteria: GeneDx Variant Classification Process June 2021. Collection method: clinical testing. Allele origin: germline. Affected: yes.
Comment: Not observed at significant frequency in large population cohorts (gnomAD); In silico analysis supports that this missense variant has a deleterious effect on protein structure/function; Missense variant in a gene in which most reported pathogenic variants are truncating/loss of function; Has not been previously published as pathogenic or benign to our knowledge

Ambry Genetics
Classification: Uncertain significance for Inborn genetic diseases. Last evaluated: 2025-05-17. Review status: criteria provided, single submitter. Criteria: Ambry Variant Classification Scheme 2023. Collection method: clinical testing. Allele origin: germline.

NM_018136.5(ASPM):c.9480T>G (p.Phe3160Leu)

Gene: ASPM (assembly factor for spindle microtubules; minus strand). Cytogenetic location: 1q31.3.
Variant type: single nucleotide variant.
Coding change: c.9480T>G on transcript NM_018136.5 (MANE Select); coding-DNA position 9480, T replaced by G.
Protein change: p.Phe3160Leu; replaces phenylalanine 3160 with leucine.
Molecular consequence: missense variant.
Genome position (GRCh38, 1-based): chr1:197,091,006, A>C on the plus strand (T>G on the coding strand, the complement: ASPM is on the minus strand). VCF-style: chr1-197091006-A-C. GRCh37 (hg19) VCF-style: chr1-197060136-A-C.
Other names: c.4725T>G, p.Phe1575Leu (NM_001206846.2); short protein forms F1575L, F3160L.
Identifiers: ClinVar variation 3953538 (VCV003953538.2).